The following is an entry in ClinVar:

ClinVar aggregate classification (germline): Uncertain significance. Review status: criteria provided, multiple submitters, no conflicts (2 of 4 stars). 2 submissions from 2 submitters: Uncertain significance (2). Last evaluated 2025-07-02.

Conditions:
Hereditary cancer-predisposing syndrome. Also called: Tumor predisposition; Neoplastic Syndromes, Hereditary; Hereditary Cancer Syndrome; Hereditary neoplastic syndrome. Identifiers: Orphanet 140162, MedGen C0027672, MeSH D009386, MONDO:0015356.
Neuroblastoma, susceptibility to, 3. Also called: ALK-Related Neuroblastic Tumor Susceptibility. Identifiers: Orphanet 635, MedGen C2751681, MONDO:0013083, OMIM 613014.

Allele frequency attached by ClinVar (database versions not stated): TOPMed below 0.00001.
gnomAD v4.1: 2 of 1,614,228 alleles (0.00012%); highest among the groups gnomAD compares: Admixed American, 0.0017%; no homozygotes.

Submissions (2):

Labcorp Genetics (formerly Invitae), Labcorp
Classification: Uncertain significance for Neuroblastoma, susceptibility to, 3. Last evaluated: 2025-07-02. Review status: criteria provided, single submitter. Criteria: Invitae Variant Classification Sherloc (09022015). Collection method: clinical testing. Allele origin: germline.
Comment: This sequence change replaces glycine, which is neutral and non-polar, with glutamic acid, which is acidic and polar, at codon 796 of the ALK protein (p.Gly796Glu). This variant is present in population databases (no rsID available, gnomAD 0.003%). This variant has not been reported in the literature in individuals affected with ALK-related conditions. ClinVar contains an entry for this variant (Variation ID: 2624786). An algorithm developed to predict the effect of missense changes on protein structure and function (PolyPhen-2) suggests that this variant is likely to be disruptive. In summary, the available evidence is currently insufficient to determine the role of this variant in disease. Therefore, it has been classified as a Variant of Uncertain Significance.

Ambry Genetics
Classification: Uncertain significance for Hereditary cancer-predisposing syndrome. Last evaluated: 2023-06-29. Review status: criteria provided, single submitter. Criteria: Ambry Variant Classification Scheme 2023. Collection method: clinical testing. Allele origin: germline.
Comment: The p.G796E variant (also known as c.2387G>A), located in coding exon 14 of the ALK gene, results from a G to A substitution at nucleotide position 2387. The glycine at codon 796 is replaced by glutamic acid, an amino acid with similar properties. This amino acid position is conserved. In addition, this alteration is predicted to be deleterious by in silico analysis. Since supporting evidence is limited at this time, the clinical significance of this alteration remains unclear.

NM_004304.5(ALK):c.2387G>A (p.Gly796Glu)

Gene: ALK (ALK receptor tyrosine kinase; minus strand). Cytogenetic location: 2p23.2.
Variant type: single nucleotide variant.
Coding change: c.2387G>A on transcript NM_004304.5 (MANE Select); coding-DNA position 2387, G replaced by A.
Protein change: p.Gly796Glu; replaces glycine 796 with glutamic acid.
Molecular consequence: missense variant.
Genome position (GRCh38, 1-based): chr2:29,233,665, C>T on the plus strand (G>A on the coding strand, the complement: ALK is on the minus strand). VCF-style: chr2-29233665-C-T. GRCh37 (hg19) VCF-style: chr2-29456531-C-T.
Other names: short protein forms G796E.
Identifiers: ClinVar variation 2624786 (VCV002624786.5), dbSNP rs1263111905, ClinGen allele CA346472459.